The following is an entry in ClinVar:

ClinVar aggregate classification (germline): Uncertain significance (1 of 4 stars; one submission).

Submission:

Mayo Clinic Laboratories, Mayo Clinic
Classification: Uncertain significance. Last evaluated: 2025-06-25. Review status: criteria provided, single submitter. Criteria: ACMG Guidelines, 2015. Collection method: clinical testing. Allele origin: germline. Observed: 1 variant allele.
Comment: PM2_supporting, PM4

NM_000302.4(PLOD1):c.273GGA[1] (p.Glu92del)

Gene: PLOD1 (procollagen-lysine,2-oxoglutarate 5-dioxygenase 1; plus strand). Cytogenetic location: 1p36.22.
Variant type: Microsatellite.
Coding change: c.273GGA[1] on transcript NM_000302.4 (MANE Select); one copy of the 3-base unit GGA starting at c.273; the reference has two copies in a row; one copy, 3 bases deleted; also written c.276_278del.
Protein change: p.Glu92del; deletes glutamic acid 92.
Molecular consequence: inframe deletion.
Genome position (GRCh38, 1-based): chr1:11,949,880-11,949,882, GGA deleted; deleting any 3 consecutive bases within chr1:11,949,876-11,949,882 gives the same sequence; the position shown is the placement nearest the transcript's 3' end. VCF-style (leftmost placement, unchanged base first): chr1-11949875-AAGG-A. GRCh37 (hg19) VCF-style: chr1-12009932-AAGG-A.
Other names: p.Glu92del; c.276_278del (NM_000302.4); c.414GGA[1], p.Glu139del (NM_001316320.2); short protein forms E139del, E92del.
Identifiers: ClinVar variation 4542283 (VCV004542283.1).